The following is an entry in ClinVar:

NM_002454.3(MTRR):c.186C>T (p.Thr62=)

Gene: MTRR (5-methyltetrahydrofolate-homocysteine methyltransferase reductase; plus strand). Cytogenetic location: 5p15.31.
Variant type: single nucleotide variant.
Coding change: c.186C>T on transcript NM_002454.3 (MANE Select); coding-DNA position 186, C replaced by T.
Protein change: p.Thr62=; no amino-acid change (threonine 62 retained).
Molecular consequence: synonymous variant. On other transcripts: non-coding transcript variant (8).
Genome position (GRCh38, 1-based): chr5:7,873,429, C>T. VCF-style: chr5-7873429-C-T. GRCh37 (hg19) VCF-style: chr5-7873542-C-T.
Other names: c.186C>T, p.Thr62= (NM_001364440.2, NM_024010.4, NM_001364441.2 and 1 more transcripts).
Identifiers: ClinVar variation 514922 (VCV000514922.10), dbSNP rs940332374, ClinGen allele CA113795229.

ClinVar aggregate classification (germline): Likely benign. Review status: criteria provided, multiple submitters, no conflicts (2 of 4 stars). 2 submissions from 2 submitters: Likely benign (2). Last evaluated 2024-11-29.

Conditions:
Methylcobalamin deficiency type cblE (HMAE). Also called: HOMOCYSTINURIA-MEGALOBLASTIC ANEMIA, cblE TYPE; VITAMIN B12-RESPONSIVE HOMOCYSTINURIA, cblE TYPE; HOMOCYSTINURIA-MEGALOBLASTIC ANEMIA, cblE COMPLEMENTATION TYPE. Identifiers: Orphanet 2169, Orphanet 622, MedGen C1856057, MONDO:0009354, OMIM 236270.

Allele frequency attached by ClinVar (database versions not stated): TOPMed below 0.00001.
gnomAD v4.1: 13 of 1,614,124 alleles (0.00081%); highest among the groups gnomAD compares: East Asian, 0.0022%; no homozygotes.

Submissions (2):

Labcorp Genetics (formerly Invitae), Labcorp
Classification: Likely benign for Methylcobalamin deficiency type cblE. Last evaluated: 2024-11-29. Review status: criteria provided, single submitter. Criteria: Invitae Variant Classification Sherloc (09022015). Collection method: clinical testing. Allele origin: germline.

GeneDx
Classification: Likely benign. Last evaluated: 2018-02-08. Review status: criteria provided, single submitter. Criteria: GeneDx Variant Classification (06012015). Collection method: clinical testing. Allele origin: germline. Affected: yes.
Comment: This variant is considered likely benign or benign based on one or more of the following criteria: it is a conservative change, it occurs at a poorly conserved position in the protein, it is predicted to be benign by multiple in silico algorithms, and/or has population frequency not consistent with disease.